The following is an entry in ClinVar:

NM_000810.4(GABRA5):c.180C>G (p.Tyr60Ter)

Gene: GABRA5 (gamma-aminobutyric acid type A receptor subunit alpha5; plus strand). Cytogenetic location: 15q12.
Variant type: single nucleotide variant.
Coding change: c.180C>G on transcript NM_000810.4 (MANE Select); coding-DNA position 180, C replaced by G.
Protein change: p.Tyr60Ter; replaces tyrosine 60 with a stop codon.
Molecular consequence: nonsense.
Genome position (GRCh38, 1-based): chr15:26,880,939, C>G. VCF-style: chr15-26880939-C-G. GRCh37 (hg19) VCF-style: chr15-27126086-C-G.
Other names: c.180C>G, p.Tyr60Ter (NM_001165037.2); short protein forms Y60*.
Identifiers: ClinVar variation 2289311 (VCV002289311.2), dbSNP rs753422014, ClinGen allele CA391463690.

ClinVar aggregate classification (germline): Uncertain significance (1 of 4 stars; one submission).

Conditions:
Inborn genetic diseases. Identifiers: MedGen C0950123, MeSH D030342.

Submission:

Ambry Genetics
Classification: Uncertain significance for Inborn genetic diseases. Last evaluated: 2022-07-08. Review status: criteria provided, single submitter. Criteria: Ambry Variant Classification Scheme 2023. Collection method: clinical testing. Allele origin: germline.
Comment: Loss of function has not been clearly established as a mechanism of disease Based on insufficient or conflicting evidence, the clinical significance of this alteration remains unclear.